The following is an entry in ClinVar:

ClinVar aggregate classification (germline): Conflicting classifications of pathogenicity. Review status: criteria provided, conflicting classifications (1 of 4 stars). 2 submissions from 2 submitters: Uncertain significance (1); Likely benign (1). Last evaluated 2025-03-09.

Conditions:
Hereditary cancer-predisposing syndrome. Also called: Hereditary Cancer Syndrome; Tumor predisposition; Neoplastic Syndromes, Hereditary; Hereditary neoplastic syndrome. Identifiers: Orphanet 140162, MedGen C0027672, MeSH D009386, MONDO:0015356.
EGFR-related lung cancer (EGFR). Identifiers: MedGen CN130014.

Allele frequency attached by ClinVar (database versions not stated): gnomAD exomes below 0.00001; gnomAD 0.00001.
gnomAD v4.1: 3 of 1,614,084 alleles (0.00019%); highest among the groups gnomAD compares: African/African-American, 0.004%; no homozygotes.

Submissions (2):

Labcorp Genetics (formerly Invitae), Labcorp
Classification: Uncertain significance for EGFR-related lung cancer. Last evaluated: 2025-03-09. Review status: criteria provided, single submitter. Criteria: Invitae Variant Classification Sherloc (09022015). Collection method: clinical testing. Allele origin: germline.
Comment: This sequence change replaces asparagine, which is neutral and polar, with serine, which is neutral and polar, at codon 639 of the EGFR protein (p.Asn639Ser). This variant is present in population databases (no rsID available, gnomAD 0.007%). This variant has not been reported in the literature in individuals affected with EGFR-related conditions. ClinVar contains an entry for this variant (Variation ID: 2421122). Invitae Evidence Modeling of protein sequence and biophysical properties (such as structural, functional, and spatial information, amino acid conservation, physicochemical variation, residue mobility, and thermodynamic stability) indicates that this missense variant is not expected to disrupt EGFR protein function with a negative predictive value of 80%. In summary, the available evidence is currently insufficient to determine the role of this variant in disease. Therefore, it has been classified as a Variant of Uncertain Significance.

Ambry Genetics
Classification: Likely benign for Hereditary cancer-predisposing syndrome. Last evaluated: 2025-02-19. Review status: criteria provided, single submitter. Criteria: Ambry Variant Classification Scheme 2023. Collection method: clinical testing. Allele origin: germline.

NM_005228.5(EGFR):c.1916A>G (p.Asn639Ser)

Gene: EGFR (epidermal growth factor receptor; plus strand). Cytogenetic location: 7p11.2.
Variant type: single nucleotide variant.
Coding change: c.1916A>G on transcript NM_005228.5 (MANE Select); coding-DNA position 1916, A replaced by G.
Protein change: p.Asn639Ser; replaces asparagine 639 with serine.
Molecular consequence: missense variant.
Genome position (GRCh38, 1-based): chr7:55,171,210, A>G. VCF-style: chr7-55171210-A-G. GRCh37 (hg19) VCF-style: chr7-55238903-A-G.
Other names: c.1781A>G, p.Asn594Ser (NM_001346897.2, NM_001346899.2); c.1916A>G, p.Asn639Ser (NM_001346898.2); c.1757A>G, p.Asn586Ser (NM_001346900.2); c.1115A>G, p.Asn372Ser (NM_001346941.2); short protein forms N372S, N586S, N594S, N639S.
Identifiers: ClinVar variation 2421122 (VCV002421122.7), dbSNP rs952307505, ClinGen allele CA158929727.
Genomic context (GRCh38, chr7:55,171,210, plus strand): 5'-TATATTTCTCTTTCACTTCCTACAGATGCACTGGGCCAGGTCTTGAAGGCTGTCCAACGA[A>G]TGGGTAAGTGTTCACAGCTCTGTGTCACATGGACCTCGTCAAGAATGACCACACTGCTGT-3'
Protein context (NP_005219.2, residues 629-649): TGPGLEGCPT[Asn639Ser]GPKIPSIATG